The following is an entry in ClinVar:

NM_001364905.1(LRBA):c.4930C>G (p.Leu1644Val)

Gene: LRBA (LPS responsive beige-like anchor protein; minus strand). Cytogenetic location: 4q31.3.
Variant type: single nucleotide variant.
Coding change: c.4930C>G on transcript NM_001364905.1 (MANE Select); coding-DNA position 4930, C replaced by G.
Protein change: p.Leu1644Val; replaces leucine 1644 with valine.
Molecular consequence: missense variant.
Genome position (GRCh38, 1-based): chr4:150,828,421, G>C on the plus strand (C>G on the coding strand, the complement: LRBA is on the minus strand). VCF-style: chr4-150828421-G-C. GRCh37 (hg19) VCF-style: chr4-151749573-G-C.
Other names: c.4930C>G, p.Leu1644Val (NM_001199282.3, NM_001367550.1, NM_006726.5); short protein forms L1644V.
Identifiers: ClinVar variation 287738 (VCV000287738.17), dbSNP rs149324157, ClinGen allele CA3102622.

ClinVar aggregate classification (germline): Uncertain significance. Review status: criteria provided, multiple submitters, no conflicts (2 of 4 stars). 4 submissions from 4 submitters: Uncertain significance (4). Last evaluated 2025-11-04.

Conditions:
Inborn genetic diseases. Identifiers: MedGen C0950123, MeSH D030342.
Combined immunodeficiency due to LRBA deficiency. Also called: Common variable immunodeficiency 8, with autoimmunity. Identifiers: Orphanet 445018, MedGen C3553512, MONDO:0013863, OMIM 614700.

Allele frequency attached by ClinVar (database versions not stated): gnomAD exomes 0.00002 and 0.00007; ExAC 0.00007; ESP Exome Variant Server 0.00023; gnomAD 0.00028 and 0.00031; TOPMed 0.00035.
gnomAD v4.1: 72 of 1,614,010 alleles (0.0045%); highest among the groups gnomAD compares: African/African-American, 0.083%; no homozygotes.

Submissions (4):

Labcorp Genetics (formerly Invitae), Labcorp
Classification: Uncertain significance for Combined immunodeficiency due to LRBA deficiency. Last evaluated: 2025-11-04. Review status: criteria provided, single submitter. Criteria: Invitae Variant Classification Sherloc (09022015). Collection method: clinical testing. Allele origin: germline.
Comment: This sequence change replaces leucine, which is neutral and non-polar, with valine, which is neutral and non-polar, at codon 1644 of the LRBA protein (p.Leu1644Val). This variant is present in population databases (rs149324157, gnomAD 0.1%). This variant has not been reported in the literature in individuals affected with LRBA-related conditions. ClinVar contains an entry for this variant (Variation ID: 287738). Invitae Evidence Modeling of protein sequence and biophysical properties (such as structural, functional, and spatial information, amino acid conservation, physicochemical variation, residue mobility, and thermodynamic stability) indicates that this missense variant is expected to disrupt LRBA protein function with a positive predictive value of 80%. In summary, the available evidence is currently insufficient to determine the role of this variant in disease. Therefore, it has been classified as a Variant of Uncertain Significance.

Ambry Genetics
Classification: Uncertain significance for Inborn genetic diseases. Last evaluated: 2025-04-12. Review status: criteria provided, single submitter. Criteria: Ambry Variant Classification Scheme 2023. Collection method: clinical testing. Allele origin: germline.

GeneDx
Classification: Uncertain significance. Last evaluated: 2024-07-20. Review status: criteria provided, single submitter. Criteria: GeneDx Variant Classification Process June 2021. Collection method: clinical testing. Allele origin: germline. Affected: yes.
Comment: In silico analysis indicates that this missense variant does not alter protein structure/function; Has not been previously published as pathogenic or benign to our knowledge

Eurofins Ntd Llc (ga)
Classification: Uncertain significance. Last evaluated: 2016-05-19. Review status: criteria provided, single submitter. Criteria: EGL Classification Definitions 2015. Collection method: clinical testing. Allele origin: germline. Observed: 1 variant allele, 1 heterozygote.